The following is an entry in ClinVar:

NM_002458.3(MUC5B):c.6389C>T (p.Pro2130Leu)

Genes: MUC5B (mucin 5B, oligomeric mucus/gel-forming; plus strand), MUC5B-AS1 (MUC5B antisense RNA 1; minus strand). Cytogenetic location: 11p15.5.
Variant type: single nucleotide variant.
Coding change: c.6389C>T on transcript NM_002458.3 (MANE Select); coding-DNA position 6389, C replaced by T.
Protein change: p.Pro2130Leu; replaces proline 2130 with leucine.
Molecular consequence: missense variant.
Genome position (GRCh38, 1-based): chr11:1,243,269, C>T. VCF-style: chr11-1243269-C-T. GRCh37 (hg19) VCF-style: chr11-1264499-C-T.
Other names: short protein forms P2130L.
Identifiers: ClinVar variation 4822174 (VCV004822174.4).

ClinVar aggregate classification (germline): Likely benign (1 of 4 stars; one submission).

gnomAD v4.1: 8 of 1,555,528 alleles (0.00051%); highest among the groups gnomAD compares: African/African-American, 0.0027%; no homozygotes.

Submission:

CeGaT Center for Human Genetics Tuebingen
Classification: Likely benign. Last evaluated: 2026-01-01. Review status: criteria provided, single submitter. Criteria: CeGaT Center For Human Genetics Tuebingen Variant Classification Criteria Version 2. Collection method: clinical testing. Allele origin: germline. Affected: yes. Observed: 1 variant allele.
Comment: MUC5B: BP4